The following is an entry in ClinVar:

NM_000057.4(BLM):c.813GAA[2] (p.Lys273del)

Gene: BLM (BLM RecQ like helicase; plus strand). Cytogenetic location: 15q26.1.
Variant type: Microsatellite.
Coding change: c.813GAA[2] on transcript NM_000057.4 (MANE Select); two copies in a row of the 3-base unit GAA starting at c.813; the reference has three copies in a row; one copy, 3 bases deleted; also written c.819_821del.
Protein change: p.Lys273del; deletes lysine 273.
Molecular consequence: inframe deletion. On other transcripts: 5 prime UTR variant (1).
Genome position (GRCh38, 1-based): chr15:90,751,806-90,751,808, GAA deleted; deleting any 3 consecutive bases within chr15:90,751,798-90,751,808 gives the same sequence; the position shown is the placement nearest the transcript's 3' end. VCF-style (leftmost placement, unchanged base first): chr15-90751797-AAAG-A. GRCh37 (hg19) VCF-style: chr15-91295027-AAAG-A.
Other names: c.813GAA[2], p.Lys273del (NM_001287246.2, NM_001287247.2); c.-479GAA[2] (NM_001287248.2); c.819_821del (NM_000057.3, NM_000057.4); c.819_821delGAA (NM_000057.2); short protein forms K273del.
Identifiers: ClinVar variation 127516 (VCV000127516.23), dbSNP rs587779895, ClinGen allele CA287148.

ClinVar aggregate classification (germline): Uncertain significance. Review status: criteria provided, multiple submitters, no conflicts (2 of 4 stars). 7 submissions from 7 submitters: Uncertain significance (7). Last evaluated 2026-07-24.

Conditions:
Hereditary cancer-predisposing syndrome. Also called: Neoplastic Syndromes, Hereditary; Hereditary Cancer Syndrome; Tumor predisposition; Hereditary neoplastic syndrome. Identifiers: Orphanet 140162, MedGen C0027672, MeSH D009386, MONDO:0015356.
Bloom syndrome (BLM). Also called: Bloom-Torre-Machacek syndrome. Identifiers: Orphanet 125, MedGen C0005859, MONDO:0008876, OMIM 210900.

Submissions (7):

GeneDx
Classification: Uncertain significance. Last evaluated: 2026-07-24. Review status: criteria provided, single submitter. Criteria: GeneDx Variant Classification Process June 2021. Collection method: clinical testing. Allele origin: germline.
Comment: Identified via multi-gene panel testing in an individual with breast cancer (PMID: 35264596); In-frame deletion of 1 amino acid(s) in a non-repeat region; Not observed at significant frequency in large population cohorts (gnomAD); In silico analysis suggests that this variant does not alter protein structure/function; This variant is associated with the following publications: (PMID: 35264596)

St. Jude Molecular Pathology, St. Jude Children's Research Hospital
Classification: Uncertain significance for Bloom syndrome. Last evaluated: 2025-06-17. Review status: criteria provided, single submitter. Criteria: St. Jude Assertion Criteria 2020. Collection method: clinical testing. Allele origin: germline.
Comment: The BLM c.819_821del p.(Lys273del) change deletes three nucleotides at position 819-821 resulting in an in-frame deletion of one amino acid at codon 273. This variant has a maximum subpopulation frequency of 0.009% in gnomAD v2.1.1. To our knowledge, this variant has not been reported in individuals with Bloom syndrome. In summary, the evidence currently available is insufficient to determine the clinical significance of this variant. It has therefore been classified as of uncertain significance.

Dasa
Classification: Uncertain significance. Last evaluated: 2025-03-25. Review status: criteria provided, single submitter. Criteria: DASA Assertion Criteria. Collection method: clinical testing. Allele origin: germline.
Comment: NM_000057.4(BLM):c.819_821del (p.Lys273del) is an in-frame deletion predicted to remove lysine at protein position 273 without shifting the reading frame. This variant is rare in population databases. The currently available literature and clinical evidence are not sufficient to establish a definitive association between this variant and the reported condition. Therefore, this variant is classified as a variant of uncertain significance.

Labcorp Genetics (formerly Invitae), Labcorp
Classification: Uncertain significance for Bloom syndrome. Last evaluated: 2025-01-28. Review status: criteria provided, single submitter. Criteria: Invitae Variant Classification Sherloc (09022015). Collection method: clinical testing. Allele origin: germline.
Comment: This variant, c.819_821del, results in the deletion of 1 amino acid(s) of the BLM protein (p.Lys273del), but otherwise preserves the integrity of the reading frame. This variant is present in population databases (rs780633851, gnomAD 0.007%). This variant has been observed in individual(s) with breast cancer (PMID: 35264596). ClinVar contains an entry for this variant (Variation ID: 127516). Experimental studies and prediction algorithms are not available or were not evaluated, and the functional significance of this variant is currently unknown. In summary, the available evidence is currently insufficient to determine the role of this variant in disease. Therefore, it has been classified as a Variant of Uncertain Significance.

Fulgent Genetics
Classification: Uncertain significance for Bloom syndrome. Last evaluated: 2024-06-03. Review status: criteria provided, single submitter. Criteria: ACMG Guidelines, 2015. Collection method: clinical testing. Allele origin: germline.

Ambry Genetics
Classification: Uncertain significance for Hereditary cancer-predisposing syndrome. Last evaluated: 2024-02-08. Review status: criteria provided, single submitter. Criteria: Ambry Variant Classification Scheme 2023. Collection method: clinical testing. Allele origin: germline.
Comment: The c.819_821delGAA variant (also known as p.K273del) is located in coding exon 3 of the BLM gene. This variant results from an in-frame GAA deletion at nucleotide positions 819 to 821. This results in the in-frame deletion of a lysine at codon 273. This alteration was detected in a cohort of 1663 Brazilian breast cancer patients who underwent hereditary multigene panel testing (Guindalini RSC et al. Sci Rep, 2022 Mar;12:4190). This amino acid position is not well conserved in available vertebrate species. In addition, this alteration is predicted to be neutral by in silico analysis (Choi Y et al. PLoS ONE. 2012; 7(10):e46688). Based on the available evidence, the clinical significance of this alteration remains unclear.

Mendelics
Classification: Uncertain significance for Bloom syndrome. Last evaluated: 2018-07-02. Review status: criteria provided, single submitter. Criteria: Mendelics Assertion Criteria 2017. Collection method: clinical testing. Allele origin: unknown.

Literature cited by the submitters: PubMed 35264596 (cited by Labcorp Genetics (formerly Invitae), Labcorp and Ambry Genetics).